The following is an entry in ClinVar:

ClinVar aggregate classification (germline): Conflicting classifications of pathogenicity. Review status: criteria provided, conflicting classifications (1 of 4 stars). 7 submissions from 7 submitters: Uncertain significance (2); Benign (1); Likely benign (3). 1 of the submissions does not count toward it. Last evaluated 2026-02-01.

Conditions:
CUBN-related disorder. Also called: CUBN-related condition.
Imerslund-Grasbeck syndrome type 1 (IGS1). Also called: MEGALOBLASTIC ANEMIA, 1; Imerslund-Gräsbeck syndrome 1; Megaloblastic anemia 1, Finnish type. Identifiers: MedGen C4016819, MONDO:0100156, OMIM 261100.
Imerslund-Grasbeck syndrome. Also called: Megaloblastic anemia due to inborn errors of metabolism; Imerslund-Gräsbeck syndrome; ENTEROCYTE COBALAMIN MALABSORPTION; ENTEROCYTE INTRINSIC FACTOR RECEPTOR, DEFECT OF; PERNICIOUS ANEMIA, JUVENILE, DUE TO SELECTIVE INTESTINAL MALABSORPTION OF VITAMIN B12, WITH PROTEINURIA. Identifiers: Orphanet 35858, MedGen C4551825, MONDO:0009853.

Allele frequency attached by ClinVar (database versions not stated): 1000 Genomes Project 30x 0.00078; 1000 Genomes Project 0.00080; gnomAD 0.00163 and 0.00168; gnomAD exomes 0.00178; TOPMed 0.00183; ExAC 0.00186; ESP Exome Variant Server 0.00246.
gnomAD v4.1: 3,849 of 1,613,438 alleles (0.24%); highest among the groups gnomAD compares: Non-Finnish European, 0.3%; 6 homozygotes.

Submissions (14):

Labcorp Genetics (formerly Invitae), Labcorp
Classification: Benign for Imerslund-Grasbeck syndrome. Last evaluated: 2026-02-01. Review status: criteria provided, single submitter. Criteria: Invitae Variant Classification Sherloc (09022015). Collection method: clinical testing. Allele origin: germline.

Mayo Clinic Laboratories, Mayo Clinic
Classification: Likely benign. Last evaluated: 2025-08-22. Review status: criteria provided, single submitter. Criteria: ACMG Guidelines, 2015. Collection method: clinical testing. Allele origin: germline. Observed: 4 variant alleles.
Comment: BS2_supporting, BP7

CeGaT Center for Human Genetics Tuebingen
Classification: Likely benign. Last evaluated: 2025-02-01. Review status: criteria provided, single submitter. Criteria: CeGaT Center For Human Genetics Tuebingen Variant Classification Criteria Version 2. Collection method: clinical testing. Allele origin: germline. Affected: yes. Observed: 1 variant allele.
Comment: CUBN: BS2

Blueprint Genetics
Classification: Likely benign. Last evaluated: 2024-11-26. Review status: criteria provided, single submitter. Criteria: ACMG Guidelines, 2015. Collection method: clinical testing. Allele origin: germline.

GeneDx
Classification: Uncertain significance. Last evaluated: 2021-12-16. Review status: criteria provided, single submitter. Criteria: GeneDx Variant Classification Process June 2021. Collection method: clinical testing. Allele origin: germline. Affected: yes.
Comment: In silico analysis, which includes splice predictors and evolutionary conservation, suggests this variant may impact gene splicing. In the absence of RNA/functional studies, the actual effect of this sequence change is unknown.; Has not been previously published as pathogenic or benign to our knowledge

Illumina Laboratory Services, Illumina
Classification: Uncertain significance for Imerslund-Grasbeck syndrome type 1. Last evaluated: 2018-01-13. Review status: criteria provided, single submitter. Criteria: ICSL Variant Classification Criteria 13 December 2019. Collection method: clinical testing. Allele origin: germline.

PreventionGenetics, part of Exact Sciences
Classification: Likely benign for CUBN-related condition. Last evaluated: 2022-09-12. Review status: no assertion criteria provided. Collection method: clinical testing. Allele origin: germline. Not counted in ClinVar's aggregate classification.
Comment: This variant is classified as likely benign based on ACMG/AMP sequence variant interpretation guidelines (Richards et al. 2015 PMID: 25741868, with internal and published modifications).

Dr. Peter K. Rogan Lab, Western University
No classification provided (evidence only). Condition: Melanoma. Review status: no classification provided. Collection method: in vitro. Allele origin: not applicable. Functional consequence: retained intron. Not counted in ClinVar's aggregate classification.

Dr. Peter K. Rogan Lab, Western University
No classification provided (evidence only). Condition: Melanoma. Review status: no classification provided. Collection method: in vitro. Allele origin: not applicable. Functional consequence: retained intron. Not counted in ClinVar's aggregate classification.

Dr. Peter K. Rogan Lab, Western University
No classification provided (evidence only). Condition: Melanoma. Review status: no classification provided. Collection method: in vitro. Allele origin: not applicable. Functional consequence: retained intron. Not counted in ClinVar's aggregate classification.

Dr. Peter K. Rogan Lab, Western University
No classification provided (evidence only). Condition: Thyroid cancer, nonmedullary, 1. Review status: no classification provided. Collection method: in vitro. Allele origin: not applicable. Functional consequence: retained intron. Not counted in ClinVar's aggregate classification.

Dr. Peter K. Rogan Lab, Western University
No classification provided (evidence only). Condition: Thyroid cancer, nonmedullary, 1. Review status: no classification provided. Collection method: in vitro. Allele origin: not applicable. Functional consequence: retained intron. Not counted in ClinVar's aggregate classification.

Dr. Peter K. Rogan Lab, Western University
No classification provided (evidence only). Condition: Ovarian serous cystadenocarcinoma. Review status: no classification provided. Collection method: in vitro. Allele origin: not applicable. Functional consequence: retained intron. Not counted in ClinVar's aggregate classification.

Dr. Peter K. Rogan Lab, Western University
No classification provided (evidence only). Condition: Adrenocortical carcinoma, hereditary. Review status: no classification provided. Collection method: in vitro. Allele origin: not applicable. Functional consequence: retained intron. Not counted in ClinVar's aggregate classification.

NM_001081.4(CUBN):c.10119C>A (p.Val3373=)

Gene: CUBN (cubilin; minus strand). Cytogenetic location: 10p13.
Variant type: single nucleotide variant.
Coding change: c.10119C>A on transcript NM_001081.4 (MANE Select); coding-DNA position 10119, C replaced by A.
Protein change: p.Val3373=; no amino-acid change (valine 3373 retained).
Molecular consequence: synonymous variant.
Genome position (GRCh38, 1-based): chr10:16,836,296, G>T on the plus strand (C>A on the coding strand, the complement: CUBN is on the minus strand). VCF-style: chr10-16836296-G-T. GRCh37 (hg19) VCF-style: chr10-16878295-G-T.
Other names: p.Val3373=.
Identifiers: ClinVar variation 299367 (VCV000299367.35), dbSNP rs139596037, ClinGen allele CA5422474.